The following is an entry in ClinVar:

ClinVar aggregate classification (germline): Likely pathogenic (1 of 4 stars; one submission).

Conditions:
Capillary malformation-arteriovenous malformation syndrome. Also called: Capillary malformation-arteriovenous malformation. Identifiers: Orphanet 137667, MedGen C1842180, MONDO:0012016.

Submission:

Labcorp Genetics (formerly Invitae), Labcorp
Classification: Likely pathogenic for Capillary malformation-arteriovenous malformation syndrome. Last evaluated: 2021-12-24. Review status: criteria provided, single submitter. Criteria: Invitae Variant Classification Sherloc (09022015). Collection method: clinical testing. Allele origin: germline.
Comment: This variant results in the deletion of part of exon 24 of the RASA1 gene. It is expected to disrupt RNA splicing. Variants that disrupt the donor or acceptor splice site typically lead to a loss of protein function (PMID: 16199547), and loss-of-function variants in RASA1 are known to be pathogenic (PMID: 24038909). This variant is not present in population databases (gnomAD no frequency). This variant has not been reported in the literature in individuals affected with RASA1-related conditions. Algorithms developed to predict the effect of sequence changes on RNA splicing suggest that this variant may disrupt the consensus splice site. In summary, the currently available evidence indicates that the variant is pathogenic, but additional data are needed to prove that conclusively. Therefore, this variant has been classified as Likely Pathogenic.

Literature cited by the submitters: PubMed 16199547; PubMed 24038909.

NM_002890.3(RASA1):c.2926-2_2927del

Genes: CCNH (cyclin H; minus strand), RASA1 (RAS p21 protein activator 1; plus strand). Cytogenetic location: 5q14.3.
Variant type: Deletion.
Coding change: c.2926-2_2927del on transcript NM_002890.3 (MANE Select); the canonical splice acceptor site of the intron before coding-DNA position 2926 through coding-DNA position 2927, 4 bases deleted (AGAA; older notation c.2926-2_2927delAGAA).
Molecular consequence: splice acceptor variant. On other transcripts: intron variant (1).
Genome position (GRCh38, 1-based): chr5:87,389,391-87,389,394, AGAA deleted; deleting any 4 consecutive bases within chr5:87,389,389-87,389,394 gives the same sequence; the c. name uses the placement nearest the transcript's 3' end. VCF-style (leftmost placement, unchanged base first): chr5-87389388-TAAAG-T. GRCh37 (hg19) VCF-style: chr5-86685205-TAAAG-T.
Other names: c.2395-2_2396del (NM_022650.3); c.933+5652_933+5655del (NM_001364075.2).
Identifiers: ClinVar variation 2057068 (VCV002057068.4), dbSNP rs2531395817, ClinGen allele CA2580073702.